The following is an entry in ClinVar:

NM_018979.4(WNK1):c.5098A>G (p.Ser1700Gly)

Gene: WNK1 (WNK lysine deficient protein kinase 1; plus strand). Cytogenetic location: 12p13.33.
Variant type: single nucleotide variant.
Coding change: c.5098A>G on transcript NM_018979.4 (MANE Select); coding-DNA position 5098, A replaced by G.
Protein change: p.Ser1700Gly; replaces serine 1700 with glycine.
Molecular consequence: missense variant.
Genome position (GRCh38, 1-based): chr12:885,902, A>G. VCF-style: chr12-885902-A-G. GRCh37 (hg19) VCF-style: chr12-995068-A-G.
Other names: c.5878A>G, p.Ser1960Gly (NM_001184985.2); c.4357A>G, p.Ser1453Gly (NM_014823.3); c.5854A>G, p.Ser1952Gly (NM_213655.5); short protein forms S1453G, S1700G, S1952G, S1960G.
Identifiers: ClinVar variation 1058740 (VCV001058740.9), dbSNP rs776531520, ClinGen allele CA6383066.

ClinVar aggregate classification (germline): Uncertain significance (1 of 4 stars; one submission).

Conditions:
Neuropathy, hereditary sensory and autonomic, type 2A (HSAN2A). Also called: MORVAN DISEASE; NEUROPATHY, CONGENITAL SENSORY; NEUROPATHY, HEREDITARY SENSORY RADICULAR, AUTOSOMAL RECESSIVE; NEUROPATHY, HEREDITARY SENSORY, TYPE IIA; NEUROPATHY, PROGRESSIVE SENSORY, OF CHILDREN; WNK1-Related HSAN2 (HSAN2A). Identifiers: Orphanet 970, MedGen C2752089, MONDO:0024309, OMIM 201300.
Pseudohypoaldosteronism type 2C (PHA2C). Also called: Pseudohypoaldosteronism Type IIC. Identifiers: Orphanet 757, Orphanet 88940, MedGen C1840391, MONDO:0013778, OMIM 614492.

Allele frequency attached by ClinVar (database versions not stated): gnomAD exomes below 0.00001 and 0.00001; TOPMed below 0.00001; ExAC 0.00001; gnomAD 0.00001.
gnomAD v4.1: 8 of 1,609,294 alleles (0.0005%); highest among the groups gnomAD compares: South Asian, 0.0044%; no homozygotes.

Submission:

Labcorp Genetics (formerly Invitae), Labcorp
Classification: Uncertain significance for Neuropathy, hereditary sensory and autonomic, type 2A; Pseudohypoaldosteronism type 2C. Last evaluated: 2022-06-30. Review status: criteria provided, single submitter. Criteria: Invitae Variant Classification Sherloc (09022015). Collection method: clinical testing. Allele origin: germline.
Comment: This sequence change replaces serine, which is neutral and polar, with glycine, which is neutral and non-polar, at codon 1952 of the WNK1 protein (p.Ser1952Gly). In summary, the available evidence is currently insufficient to determine the role of this variant in disease. Therefore, it has been classified as a Variant of Uncertain Significance. Algorithms developed to predict the effect of sequence changes on RNA splicing suggest that this variant may create or strengthen a splice site. Advanced modeling of protein sequence and biophysical properties (such as structural, functional, and spatial information, amino acid conservation, physicochemical variation, residue mobility, and thermodynamic stability) performed at Invitae indicates that this missense variant is not expected to disrupt WNK1 protein function. ClinVar contains an entry for this variant (Variation ID: 1058740). This variant has not been reported in the literature in individuals affected with WNK1-related conditions. This variant is present in population databases (rs776531520, gnomAD 0.007%).